The following is an entry in ClinVar:

ClinVar aggregate classification (germline): Likely pathogenic (1 of 4 stars; one submission).

Conditions:
Neurodevelopmental disorder with or without hyperkinetic movements and seizures, autosomal dominant. Also called: Intellectual disability, autosomal dominant 8. Identifiers: MedGen C3280282, MONDO:0013655, OMIM 614254.

Submission:

3billion
Classification: Likely pathogenic for Neurodevelopmental disorder with or without hyperkinetic movements and seizures, autosomal dominant. Last evaluated: 2024-05-03. Review status: criteria provided, single submitter. Criteria: ACMG Guidelines, 2015. Collection method: clinical testing. Allele origin: germline. Affected: yes.
Comment: The variant is not observed in the gnomAD v4.0.0 dataset. Predicted Consequence/Location: Missense variant. The variant is located in a mutational hot spot and/or well-established functional domain in which established pathogenic variants have been reported (PMID: 33252190). Missense changes are a common disease-causing mechanism. In silico tool predictions suggest damaging effect of the variant on gene or gene product [REVEL: 0.73 (>=0.6, sensitivity 0.68 and specificity 0.92); 3Cnet: 1.00 (>=0.6, sensitivity 0.72 and precision 0.9)]. A different missense change at the same codon (p.Ala645Ser) has been reported to be associated with GRIN1-related disorder (ClinVar ID: VCV000917873). Therefore, this variant is classified as Likely pathogenic according to the recommendation of ACMG/AMP guideline.

Literature cited by the submitters: PubMed 33252190.

NM_007327.4(GRIN1):c.1933G>C (p.Ala645Pro)

Gene: GRIN1 (glutamate ionotropic receptor NMDA type subunit 1; plus strand). Cytogenetic location: 9q34.3.
Variant type: single nucleotide variant.
Coding change: c.1933G>C on transcript NM_007327.4 (MANE Select); coding-DNA position 1933, G replaced by C.
Protein change: p.Ala645Pro; replaces alanine 645 with proline.
Molecular consequence: missense variant.
Genome position (GRCh38, 1-based): chr9:137,162,659, G>C. VCF-style: chr9-137162659-G-C. GRCh37 (hg19) VCF-style: chr9-140057111-G-C.
Other names: c.1933G>C, p.Ala645Pro (NM_000832.7, NM_021569.4); c.1996G>C, p.Ala666Pro (NM_001185090.2, NM_001185091.2); short protein forms A645P, A666P.
Identifiers: ClinVar variation 3775831 (VCV003775831.1).